The following is an entry in ClinVar:

NM_017780.4(CHD7):c.7613A>G (p.Asp2538Gly)

Gene: CHD7 (chromodomain helicase DNA binding protein 7; plus strand). Cytogenetic location: 8q12.2.
Variant type: single nucleotide variant.
Coding change: c.7613A>G on transcript NM_017780.4 (MANE Select); coding-DNA position 7613, A replaced by G.
Protein change: p.Asp2538Gly; replaces aspartic acid 2538 with glycine.
Molecular consequence: missense variant. On other transcripts: intron variant (1).
Genome position (GRCh38, 1-based): chr8:60,860,908, A>G. VCF-style: chr8-60860908-A-G. GRCh37 (hg19) VCF-style: chr8-61773467-A-G.
Other names: c.1717-1321A>G (NM_001316690.1); short protein forms D2538G.
Identifiers: ClinVar variation 3617774 (VCV003617774.2).

ClinVar aggregate classification (germline): Uncertain significance (1 of 4 stars; one submission).

Conditions:
CHARGE syndrome (CHARGE). Also called: Hittner Hirsch Kreh syndrome; CHARGE ASSOCIATION--COLOBOMA, HEART ANOMALY, CHOANAL ATRESIA, RETARDATION, GENITAL AND EAR ANOMALIES; Coloboma, heart anomaly, choanal atresia, retardation, genital and ear anomalies; CHARGE association; Hall-Hittner syndrome. Identifiers: Orphanet 138, MedGen C0265354, MONDO:0008965.

Submission:

Labcorp Genetics (formerly Invitae), Labcorp
Classification: Uncertain significance for CHARGE syndrome. Last evaluated: 2025-01-28. Review status: criteria provided, single submitter. Criteria: Invitae Variant Classification Sherloc (09022015). Collection method: clinical testing. Allele origin: germline.
Comment: This sequence change replaces aspartic acid, which is acidic and polar, with glycine, which is neutral and non-polar, at codon 2538 of the CHD7 protein (p.Asp2538Gly). This variant is not present in population databases (gnomAD no frequency). This variant has not been reported in the literature in individuals affected with CHD7-related conditions. Invitae Evidence Modeling of protein sequence and biophysical properties (such as structural, functional, and spatial information, amino acid conservation, physicochemical variation, residue mobility, and thermodynamic stability) indicates that this missense variant is not expected to disrupt CHD7 protein function with a negative predictive value of 95%. In summary, the available evidence is currently insufficient to determine the role of this variant in disease. Therefore, it has been classified as a Variant of Uncertain Significance.